The following is an entry in ClinVar:

NM_001369268.1(ACAN):c.1130G>A (p.Trp377Ter)

Gene: ACAN (aggrecan; plus strand). Cytogenetic location: 15q26.1.
Variant type: single nucleotide variant.
Coding change: c.1130G>A on transcript NM_001369268.1 (MANE Select); coding-DNA position 1130, G replaced by A.
Protein change: p.Trp377Ter; replaces tryptophan 377 with a stop codon.
Molecular consequence: nonsense.
Genome position (GRCh38, 1-based): chr15:88,845,583, G>A. VCF-style: chr15-88845583-G-A. GRCh37 (hg19) VCF-style: chr15-89388814-G-A.
Other names: c.1130G>A, p.Trp377Ter (NM_001135.4, NM_013227.4); short protein forms W377*.
Identifiers: ClinVar variation 1438177 (VCV001438177.8), dbSNP rs2141581781, ClinGen allele CA393709435.

ClinVar aggregate classification (germline): Pathogenic/Likely pathogenic. Review status: criteria provided, multiple submitters, no conflicts (2 of 4 stars). 2 submissions from 2 submitters: Pathogenic (1); Likely pathogenic (1). Last evaluated 2024-09-01.

Conditions:
Short stature and advanced bone age, with or without early-onset osteoarthritis and/or osteochondritis dissecans (SSOAOD). Identifiers: Orphanet 251262, MedGen C3665488, MONDO:0100462, OMIM 165800.

Submissions (2):

Suzhou Clinical Center for Rare Diseases in Children, Children's Hospital of Soochow University
Classification: Likely pathogenic for Short stature and advanced bone age, with or without early-onset osteoarthritis and/or osteochondritis dissecans. Last evaluated: 2024-09-01. Review status: criteria provided, single submitter. Criteria: ACMG Guidelines, 2015. Collection method: clinical testing. Allele origin: maternal. Affected: yes.
Comment: The NM_001369268.1:c.1130G>A (p.Trp377Ter) variant of ACAN is a nonsense mutation that may lead to the premature termination and NMD (PVS1). This variant is not recorded in the gnomAD database (v4.1.0) (PM2_Supporting). According to the ACMG guidelines, this variant is classified as likely pathogenic (PVS1+PM2_Supporting).

Labcorp Genetics (formerly Invitae), Labcorp
Classification: Pathogenic. Last evaluated: 2024-07-13. Review status: criteria provided, single submitter. Criteria: Invitae Variant Classification Sherloc (09022015). Collection method: clinical testing. Allele origin: germline.
Comment: This sequence change creates a premature translational stop signal (p.Trp377*) in the ACAN gene. It is expected to result in an absent or disrupted protein product. Loss-of-function variants in ACAN are known to be pathogenic (PMID: 16080123, 24762113). This variant is not present in population databases (gnomAD no frequency). This variant has not been reported in the literature in individuals affected with ACAN-related conditions. ClinVar contains an entry for this variant (Variation ID: 1438177). For these reasons, this variant has been classified as Pathogenic.

Literature cited by the submitters: PubMed 16080123 (cited by Labcorp Genetics (formerly Invitae), Labcorp); PubMed 24762113 (cited by Labcorp Genetics (formerly Invitae), Labcorp).